The following is an entry in ClinVar:

ClinVar aggregate classification (germline): Uncertain significance (1 of 4 stars; one submission).

Submission:

Mayo Clinic Laboratories, Mayo Clinic
Classification: Uncertain significance. Last evaluated: 2024-05-29. Review status: criteria provided, single submitter. Criteria: ACMG Guidelines, 2015. Collection method: clinical testing. Allele origin: germline. Observed: 1 variant allele.
Comment: BP4, PM2

NM_173543.3(DZIP1L):c.145G>C (p.Glu49Gln)

Gene: DZIP1L (DAZ interacting zinc finger protein 1 like; minus strand). Cytogenetic location: 3q22.3.
Variant type: single nucleotide variant.
Coding change: c.145G>C on transcript NM_173543.3 (MANE Select); coding-DNA position 145, G replaced by C.
Protein change: p.Glu49Gln; replaces glutamic acid 49 with glutamine.
Molecular consequence: missense variant.
Genome position (GRCh38, 1-based): chr3:138,103,827, C>G on the plus strand (G>C on the coding strand, the complement: DZIP1L is on the minus strand). VCF-style: chr3-138103827-C-G. GRCh37 (hg19) VCF-style: chr3-137822669-C-G.
Other names: p.Glu49Gln; c.145G>C, p.Glu49Gln (NM_001170538.1); short protein forms E49Q.
Identifiers: ClinVar variation 3379499 (VCV003379499.1).